The following is an entry in ClinVar:

NM_000535.7(PMS2):c.2015T>C (p.Met672Thr)

Gene: PMS2 (PMS1 homolog 2, mismatch repair system component; minus strand). Cytogenetic location: 7p22.1.
Variant type: single nucleotide variant.
Coding change: c.2015T>C on transcript NM_000535.7 (MANE Select); coding-DNA position 2015, T replaced by C.
Protein change: p.Met672Thr; replaces methionine 672 with threonine.
Molecular consequence: missense variant. On other transcripts: non-coding transcript variant (1).
Genome position (GRCh38, 1-based): chr7:5,982,983, A>G on the plus strand (T>C on the coding strand, the complement: PMS2 is on the minus strand). VCF-style: chr7-5982983-A-G. GRCh37 (hg19) VCF-style: chr7-6022614-A-G.
Other names: c.1610T>C, p.Met537Thr (NM_001322003.2, NM_001322004.2, NM_001322005.2 and 1 more transcripts); c.1859T>C, p.Met620Thr (NM_001322006.2); c.1697T>C, p.Met566Thr (NM_001322007.2, NM_001322008.2); c.1454T>C, p.Met485Thr (NM_001322010.2); c.1082T>C, p.Met361Thr (NM_001322011.2, NM_001322012.2); c.1442T>C, p.Met481Thr (NM_001322013.2); c.2015T>C, p.Met672Thr (NM_001322014.2); c.1706T>C, p.Met569Thr (NM_001322015.2); short protein forms M361T, M481T, M569T, M485T, M537T, M566T, M620T, M672T.
Identifiers: ClinVar variation 861355 (VCV000861355.9), dbSNP rs1554295972, ClinGen allele CA366738184.

ClinVar aggregate classification (germline): Uncertain significance. Review status: criteria provided, multiple submitters, no conflicts (2 of 4 stars). 3 submissions from 3 submitters: Uncertain significance (3). Last evaluated 2025-07-25.

Conditions:
Hereditary nonpolyposis colorectal neoplasms. Identifiers: MedGen C0009405, MeSH D003123.
Hereditary cancer-predisposing syndrome. Also called: Tumor predisposition; Hereditary neoplastic syndrome; Neoplastic Syndromes, Hereditary; Hereditary Cancer Syndrome. Identifiers: Orphanet 140162, MedGen C0027672, MeSH D009386, MONDO:0015356.

Submissions (3):

Color Diagnostics, LLC DBA Color Health
Classification: Uncertain significance for Hereditary cancer-predisposing syndrome. Last evaluated: 2025-07-25. Review status: criteria provided, single submitter. Criteria: ACMG Guidelines, 2015. Collection method: clinical testing. Allele origin: germline.
Comment: This missense variant replaces methionine with threonine at codon 672 of the PMS2 protein. Computational prediction suggests that this variant may not impact protein structure and function. To our knowledge, functional studies have not been reported for this variant. This variant has not been reported in individuals affected with PMS2-related disorders in the literature. This variant has not been identified in the general population by the Genome Aggregation Database (gnomAD). The available evidence is insufficient to determine the role of this variant in disease conclusively. Therefore, this variant is classified as a Variant of Uncertain Significance.

Ambry Genetics
Classification: Uncertain significance for Hereditary cancer-predisposing syndrome. Last evaluated: 2025-06-10. Review status: criteria provided, single submitter. Criteria: Ambry Variant Classification Scheme 2023. Collection method: clinical testing. Allele origin: germline.
Comment: The p.M672T variant (also known as c.2015T>C), located in coding exon 12 of the PMS2 gene, results from a T to C substitution at nucleotide position 2015. The methionine at codon 672 is replaced by threonine, an amino acid with similar properties. This amino acid position is conserved. In addition, this alteration is predicted to be deleterious by in silico analysis. Based on the available evidence, the clinical significance of this variant remains unclear.

Labcorp Genetics (formerly Invitae), Labcorp
Classification: Uncertain significance for Hereditary nonpolyposis colorectal neoplasms. Last evaluated: 2024-05-06. Review status: criteria provided, single submitter. Criteria: Invitae Variant Classification Sherloc (09022015). Collection method: clinical testing. Allele origin: germline.
Comment: This sequence change replaces methionine, which is neutral and non-polar, with threonine, which is neutral and polar, at codon 672 of the PMS2 protein (p.Met672Thr). The frequency data for this variant in the population databases (gnomAD) is considered unreliable due to the presence of homologous sequence, such as pseudogenes or paralogs, in the genome. This variant has not been reported in the literature in individuals affected with PMS2-related conditions. ClinVar contains an entry for this variant (Variation ID: 861355). Advanced modeling of protein sequence and biophysical properties (such as structural, functional, and spatial information, amino acid conservation, physicochemical variation, residue mobility, and thermodynamic stability) has been performed at Invitae for this missense variant, however the output from this modeling did not meet the statistical confidence thresholds required to predict the impact of this variant on PMS2 protein function. In summary, the available evidence is currently insufficient to determine the role of this variant in disease. Therefore, it has been classified as a Variant of Uncertain Significance.